The following is an entry in ClinVar:

NM_000340.2(SLC2A2):c.593C>T (p.Thr198Met)

Gene: SLC2A2 (solute carrier family 2 member 2; minus strand). Cytogenetic location: 3q26.2.
Variant type: single nucleotide variant.
Coding change: c.593C>T on transcript NM_000340.2 (MANE Select); coding-DNA position 593, C replaced by T.
Protein change: p.Thr198Met; replaces threonine 198 with methionine.
Molecular consequence: missense variant.
Genome position (GRCh38, 1-based): chr3:171,007,167, G>A on the plus strand (C>T on the coding strand, the complement: SLC2A2 is on the minus strand). VCF-style: chr3-171007167-G-A. GRCh37 (hg19) VCF-style: chr3-170724956-G-A.
Other names: c.236C>T, p.Thr79Met (NM_001278658.2); c.74C>T, p.Thr25Met (NM_001278659.2); short protein forms T198M, T25M, T79M.
Identifiers: ClinVar variation 540252 (VCV000540252.12), dbSNP rs149460434, ClinGen allele CA2702635.

ClinVar aggregate classification (germline): Conflicting classifications of pathogenicity. Review status: criteria provided, conflicting classifications (1 of 4 stars). 3 submissions from 3 submitters: Uncertain significance (1); Likely benign (1). 1 of the submissions does not count toward it. Last evaluated 2026-01-15.

Conditions:
Fanconi-Bickel syndrome (FBS). Also called: FANCONI SYNDROME WITH INTESTINAL MALABSORPTION AND GALACTOSE INTOLERANCE; HEPATIC GLYCOGENOSIS WITH AMINO ACIDURIA AND GLUCOSURIA; HEPATIC GLYCOGENOSIS WITH FANCONI NEPHROPATHY; HEPATORENAL GLYCOGENOSIS WITH RENAL FANCONI SYNDROME; Glycogen storage disease due to GLUT2 deficiency; PSEUDO-PHLORIZIN DIABETES. Identifiers: Orphanet 2088, MedGen C3495427, MONDO:0009216, OMIM 227810.

Allele frequency attached by ClinVar (database versions not stated): TOPMed 0.00008; ESP Exome Variant Server 0.00023; 1000 Genomes Project 30x 0.00031.
gnomAD v4.1: 112 of 1,610,980 alleles (0.007%); highest among the groups gnomAD compares: Middle Eastern, 0.017%; no homozygotes.

Submissions (3):

Labcorp Genetics (formerly Invitae), Labcorp
Classification: Likely benign for Fanconi-Bickel syndrome. Last evaluated: 2026-01-15. Review status: criteria provided, single submitter. Criteria: Invitae Variant Classification Sherloc (09022015). Collection method: clinical testing. Allele origin: germline.

Illumina Laboratory Services, Illumina
Classification: Uncertain significance for Fanconi-Bickel syndrome. Last evaluated: 2017-06-26. Review status: criteria provided, single submitter. Criteria: ICSL Variant Classification Criteria 13 December 2019. Collection method: clinical testing. Allele origin: germline.
Comment: This variant was observed as part of a predisposition screen in an ostensibly healthy population. A literature search was performed for the gene, cDNA change, and amino acid change (where applicable). Publications were found based on this search. However, the evidence from the literature, in combination with allele frequency data from public databases where available, was not sufficient to rule this variant in or out of causing disease. Therefore, this variant is classified as a variant of unknown significance.

Department of Pathology and Laboratory Medicine, Sinai Health System
Classification: Uncertain significance. Review status: no assertion criteria provided. Collection method: clinical testing. Allele origin: unknown. Affected: yes. Study: The Canadian Open Genetics Repository (COGR). Not counted in ClinVar's aggregate classification.
Comment: The SLC2A2 p.T198M variant was not identified in the literature but was identified in dbSNP (ID: rs149460434) and ClinVar (classified as uncertain significance by Invitae for Fanconi-Bickel syndrome). The variant was identified in control databases in 28 of 281768 chromosomes at a frequency of 0.00009937 (Genome Aggregation Database March 6, 2019, v2.1.1). The variant was observed in the following populations: South Asian in 7 of 30594 chromosomes (freq: 0.000229), European (non-Finnish) in 20 of 128482 chromosomes (freq: 0.000156) and Latino in 1 of 35248 chromosomes (freq: 0.000028), but was not observed in the African, Ashkenazi Jewish, East Asian, European (Finnish), or Other populations. The p.T198 residue is not conserved in mammals and computational analyses (PolyPhen-2, SIFT, MutationTaster, Revel, FATHMM, MetaLR, DANN) provide inconsistent predictions regarding the impact to the protein; this information is not very predictive of pathogenicity. The variant occurs outside of the splicing consensus sequence and in silico or computational prediction software programs (Splice AI exome) do not predict a difference in splicing. In summary, based on the above information the clinical significance of this variant cannot be determined with certainty at this time. This variant is classified as a variant of uncertain significance.

Literature cited by the submitters: PubMed 14551916 (cited by Illumina Laboratory Services, Illumina).